The following is an entry in ClinVar:

ClinVar aggregate classification (germline): Likely benign (1 of 4 stars; one submission).

Submission:

Laboratory for Molecular Medicine, Mass General Brigham Personalized Medicine
Classification: Likely benign. Last evaluated: 2015-10-12. Review status: criteria provided, single submitter. Criteria: LMM Criteria. Collection method: clinical testing. Allele origin: germline. Observed: 1 variant allele.
Comment: p.Leu26del in exon 2 of SFTPB: This variant is not expected to have clinical sig nificance because it has been identified in 2% (135/6888) of European chromosome s by the NHLBI Exome Sequencing Project (dbSN P rs147057701).

NM_000542.5(SFTPB):c.29TGC[4] (p.Leu14del)

Gene: SFTPB (surfactant protein B; minus strand). Cytogenetic location: 2p11.2.
Variant type: Microsatellite.
Coding change: c.29TGC[4] on transcript NM_000542.5 (MANE Select); four copies in a row of the 3-base unit TGC starting at c.29; the reference has five copies in a row; one copy, 3 bases deleted.
Protein change: p.Leu14del; deletes leucine 14.
Molecular consequence: inframe deletion. On other transcripts: inframe indel (2).
Genome position (GRCh38, 1-based): chr2:85,668,141-85,668,143, GCA deleted on the plus strand (TGC on the coding strand, the reverse complement: SFTPB is on the minus strand); deleting any 3 consecutive bases within chr2:85,668,141-85,668,157 gives the same sequence; the position shown is the placement nearest the transcript's 3' end. VCF-style (leftmost placement, unchanged base first): chr2-85668140-GGCA-G. GRCh37 (hg19) VCF-style: chr2-85895263-GGCA-G.
Other names: c.27_29GCT[4], p.Leu14del (NM_001367281.2, NM_198843.4); short protein forms L14del.
Identifiers: ClinVar variation 227945 (VCV000227945.5), dbSNP rs147057701, ClinGen allele CA1744196.